The following is an entry in ClinVar:

ClinVar aggregate classification (germline): Conflicting classifications of pathogenicity. Review status: criteria provided, conflicting classifications (1 of 4 stars). 3 submissions from 3 submitters: Uncertain significance (1); Benign (1); Likely benign (1). Last evaluated 2025-08-26.

Conditions:
Autosomal dominant pseudohypoaldosteronism type 1. Also called: Pseudohypoaldosteronism, Type I, Dominant; Pseudohypoaldosteronism, Type I, Autosomal Dominant; PHA I, AUTOSOMAL DOMINANT. Identifiers: Orphanet 171871, Orphanet 756, MedGen C1449842, MONDO:0008329, OMIM 177735.
Pseudohyperaldosteronism type 2. Identifiers: Orphanet 88660, MedGen C1854631, MONDO:0011517, OMIM 605115.

Allele frequency attached by ClinVar (database versions not stated): gnomAD exomes 0.00004; ExAC 0.00006; TOPMed 0.00017; ESP Exome Variant Server 0.00031.
gnomAD v4.1: 42 of 1,614,078 alleles (0.0026%); highest among the groups gnomAD compares: African/African-American, 0.053%; no homozygotes.

Submissions (3):

Labcorp Genetics (formerly Invitae), Labcorp
Classification: Uncertain significance. Last evaluated: 2025-08-26. Review status: criteria provided, single submitter. Criteria: Invitae Variant Classification Sherloc (09022015). Collection method: clinical testing. Allele origin: germline.
Comment: This sequence change replaces glutamine, which is neutral and polar, with histidine, which is basic and polar, at codon 135 of the NR3C2 protein (p.Gln135His). This variant is present in population databases (rs138893620, gnomAD 0.07%), and has an allele count higher than expected for a pathogenic variant. This variant has not been reported in the literature in individuals affected with NR3C2-related conditions. ClinVar contains an entry for this variant (Variation ID: 900825). Invitae Evidence Modeling of protein sequence and biophysical properties (such as structural, functional, and spatial information, amino acid conservation, physicochemical variation, residue mobility, and thermodynamic stability) indicates that this missense variant is not expected to disrupt NR3C2 protein function with a negative predictive value of 80%. In summary, the available evidence is currently insufficient to determine the role of this variant in disease. Therefore, it has been classified as a Variant of Uncertain Significance.

Fulgent Genetics
Classification: Benign for Autosomal dominant pseudohypoaldosteronism type 1; Pseudohyperaldosteronism type 2. Last evaluated: 2022-02-13. Review status: criteria provided, single submitter. Criteria: ACMG Guidelines, 2015. Collection method: clinical testing. Allele origin: unknown.

Illumina Laboratory Services, Illumina
Classification: Likely benign for Autosomal dominant pseudohypoaldosteronism type 1. Last evaluated: 2018-01-13. Review status: criteria provided, single submitter. Criteria: ICSL Variant Classification Criteria 13 December 2019. Collection method: clinical testing. Allele origin: germline.
Comment: This variant was observed in the ICSL laboratory as part of a predisposition screen in an ostensibly healthy population. It had not been previously curated by ICSL or reported in the Human Gene Mutation Database (HGMD: prior to June 1st, 2018), and was therefore a candidate for classification through an automated scoring system. Utilizing variant allele frequency, disease prevalence and penetrance estimates, and inheritance mode, an automated score was calculated to assess if this variant is too frequent to cause the disease. Based on the score and internal cut-off values, a variant classified as likely benign is not then subjected to further curation. The score for this variant resulted in a classification of likely benign for this disease.

NM_000901.5(NR3C2):c.405G>C (p.Gln135His)

Gene: NR3C2 (nuclear receptor subfamily 3 group C member 2; minus strand). Cytogenetic location: 4q31.23.
Variant type: single nucleotide variant.
Coding change: c.405G>C on transcript NM_000901.5 (MANE Select); coding-DNA position 405, G replaced by C.
Protein change: p.Gln135His; replaces glutamine 135 with histidine.
Molecular consequence: missense variant. On other transcripts: non-coding transcript variant (1).
Genome position (GRCh38, 1-based): chr4:148,436,456, C>G on the plus strand (G>C on the coding strand, the complement: NR3C2 is on the minus strand). VCF-style: chr4-148436456-C-G. GRCh37 (hg19) VCF-style: chr4-149357608-C-G.
Other names: c.405G>C, p.Gln135His (NM_001166104.2, NM_001354819.1); short protein forms Q135H.
Identifiers: ClinVar variation 900825 (VCV000900825.6), dbSNP rs138893620, ClinGen allele CA3100470.
Genomic context (GRCh38, chr4:148,436,456, plus strand): 5'-ACTTAGAGTGGAAGGACGATGGCCATTTCCTTTGTAAAATTTCACCAGCTGTTCAACATT[C>G]TGATAAATCTTAGCTGGACTCATGCTTCCTTGTTGGTTCTGCTGCTCATAGGAATAGTCA-3'
Protein context (NP_000892.2, residues 125-145): QGSMSPAKIY[Gln135His]NVEQLVKFYK